The following is an entry in ClinVar:

NM_015102.5(NPHP4):c.1764-5C>T

Gene: NPHP4 (nephrocystin 4; minus strand). Cytogenetic location: 1p36.31.
Variant type: single nucleotide variant.
Coding change: c.1764-5C>T on transcript NM_015102.5 (MANE Select); 5 bases into the intron before coding-DNA position 1764, C replaced by T.
Molecular consequence: intron variant.
Genome position (GRCh38, 1-based): chr1:5,905,488, G>A on the plus strand (C>T on the coding strand, the complement: NPHP4 is on the minus strand). VCF-style: chr1-5905488-G-A. GRCh37 (hg19) VCF-style: chr1-5965548-G-A.
Other names: c.228-5C>T (NM_001291594.2); c.225-5C>T (NM_001291593.2).
Identifiers: ClinVar variation 297816 (VCV000297816.25), dbSNP rs370899989, ClinGen allele CA554372.
Genomic context (GRCh38, chr1:5,905,488, plus strand): 5'-GAAAGCCGGAGGACTGCAGGAGCACCATGGAGGCTCTCGAGGGCTGCCCTGCAGAGCTGA[G>A]ACACAGAGACTCCTCAGGTAGCCTCCCGGGAAAGGGGGGACCCATTGATGCACCTCCCTG-3'

ClinVar aggregate classification (germline): Conflicting classifications of pathogenicity. Review status: criteria provided, conflicting classifications (1 of 4 stars). 9 submissions from 8 submitters: Uncertain significance (2); Benign (1); Likely benign (3). 3 of the submissions do not count toward it. Last evaluated 2025-11-27.

Conditions:
NPHP4-related disorder. Also called: NPHP4-related disorders; NPHP4-related condition. Identifiers: MedGen CN239384.
Nephronophthisis. Also called: Juvenile Nephronophthisis. Identifiers: Orphanet 655, MedGen C0687120, MONDO:0019005, HP:0000090.
Senior-Loken syndrome 4 (SLSN4). Identifiers: Orphanet 3156, MedGen C1846979, MONDO:0011756, OMIM 606996.
Nephronophthisis 4 (NPHP4). Also called: NEPHRONOPHTHISIS 4, JUVENILE. Identifiers: Orphanet 655, MedGen C1847013, MONDO:0011752, OMIM 606966.
Inborn genetic diseases. Identifiers: MedGen C0950123, MeSH D030342.

Allele frequency attached by ClinVar (database versions not stated): gnomAD 0.00004 and 0.00009; gnomAD exomes 0.00005 and 0.00030; TOPMed 0.00013; ExAC 0.00029; 1000 Genomes Project 0.00060; 1000 Genomes Project 30x 0.00078.
gnomAD v4.1: 101 of 1,600,662 alleles (0.0063%); highest among the groups gnomAD compares: East Asian, 0.18%; no homozygotes.

Submissions (9):

Labcorp Genetics (formerly Invitae), Labcorp
Classification: Benign for Nephronophthisis. Last evaluated: 2025-11-27. Review status: criteria provided, single submitter. Criteria: Invitae Variant Classification Sherloc (09022015). Collection method: clinical testing. Allele origin: germline.

Ambry Genetics
Classification: Likely benign for Inborn genetic diseases. Last evaluated: 2025-07-11. Review status: criteria provided, single submitter. Criteria: Ambry Variant Classification Scheme 2023. Collection method: clinical testing. Allele origin: germline.

Blueprint Genetics
Classification: Likely benign. Last evaluated: 2024-08-07. Review status: criteria provided, single submitter. Criteria: ACMG Guidelines, 2015. Collection method: clinical testing. Allele origin: germline.

Illumina Laboratory Services, Illumina
Classification: Uncertain significance for Nephronophthisis 4. Last evaluated: 2018-01-12. Review status: criteria provided, single submitter. Criteria: ICSL Variant Classification Criteria 13 December 2019. Collection method: clinical testing. Allele origin: germline.

Illumina Laboratory Services, Illumina
Classification: Likely benign for Senior-Loken syndrome 4. Last evaluated: 2018-01-12. Review status: criteria provided, single submitter. Criteria: ICSL Variant Classification Criteria 13 December 2019. Collection method: clinical testing. Allele origin: germline.
Comment: This variant was observed in the ICSL laboratory as part of a predisposition screen in an ostensibly healthy population. It had not been previously curated by ICSL or reported in the Human Gene Mutation Database (HGMD: prior to June 1st, 2018), and was therefore a candidate for classification through an automated scoring system. Utilizing variant allele frequency, disease prevalence and penetrance estimates, and inheritance mode, an automated score was calculated to assess if this variant is too frequent to cause the disease. Based on the score and internal cut-off values, a variant classified as likely benign is not then subjected to further curation. The score for this variant resulted in a classification of likely benign for this disease.

Eurofins Ntd Llc (ga)
Classification: Uncertain significance. Last evaluated: 2017-03-21. Review status: criteria provided, single submitter. Criteria: EGL Classification Definitions 2015. Collection method: clinical testing. Allele origin: germline. Observed: 2 variant alleles, 2 heterozygotes.

PreventionGenetics, part of Exact Sciences
Classification: Likely benign for NPHP4-related condition. Last evaluated: 2022-05-19. Review status: no assertion criteria provided. Collection method: clinical testing. Allele origin: germline. Not counted in ClinVar's aggregate classification.
Comment: This variant is classified as likely benign based on ACMG/AMP sequence variant interpretation guidelines (Richards et al. 2015 PMID: 25741868, with internal and published modifications).

Clinical Genetics DNA and cytogenetics Diagnostics Lab, Erasmus MC, Erasmus Medical Center
Classification: Likely benign. Review status: no assertion criteria provided. Collection method: clinical testing. Allele origin: germline. Affected: yes. Study: VKGL Data-share Consensus. Not counted in ClinVar's aggregate classification.

Genome Diagnostics Laboratory, University Medical Center Utrecht
Classification: Likely benign. Review status: no assertion criteria provided. Collection method: clinical testing. Allele origin: germline. Affected: yes. Study: VKGL Data-share Consensus. Not counted in ClinVar's aggregate classification.